The following is an entry in ClinVar:

ClinVar aggregate classification (germline): Uncertain significance. Review status: criteria provided, multiple submitters, no conflicts (2 of 4 stars). 4 submissions from 4 submitters: Uncertain significance (4). Last evaluated 2025-11-13.

Conditions:
Classic or attenuated familial adenomatous polyposis. Identifiers: MedGen CN372698, MONDO:0021057.
Hereditary cancer-predisposing syndrome. Also called: Tumor predisposition; Hereditary Cancer Syndrome; Hereditary neoplastic syndrome; Neoplastic Syndromes, Hereditary. Identifiers: Orphanet 140162, MedGen C0027672, MeSH D009386, MONDO:0015356.
Familial adenomatous polyposis 1 (FAP1). Also called: FAMILIAL ADENOMATOUS POLYPOSIS 1, ATTENUATED; POLYPOSIS, ADENOMATOUS INTESTINAL. Identifiers: MedGen C2713442, MONDO:0021056, OMIM 175100. Disease mechanism: loss of function.

Allele frequency attached by ClinVar (database versions not stated): gnomAD exomes below 0.00001; TOPMed below 0.00001; ExAC 0.00001; gnomAD 0.00001; 1000 Genomes Project 30x 0.00016; 1000 Genomes Project 0.00020.
gnomAD v4.1: 2 of 1,612,968 alleles (0.00012%); highest among the groups gnomAD compares: Admixed American, 0.0017%; no homozygotes.

Submissions (4):

Labcorp Genetics (formerly Invitae), Labcorp
Classification: Uncertain significance for Familial adenomatous polyposis 1. Last evaluated: 2025-11-13. Review status: criteria provided, single submitter. Criteria: Invitae Variant Classification Sherloc (09022015). Collection method: clinical testing. Allele origin: germline.
Comment: This sequence change replaces aspartic acid, which is acidic and polar, with glycine, which is neutral and non-polar, at codon 1832 of the APC protein (p.Asp1832Gly). This variant is present in population databases (rs537695710, gnomAD 0.003%). This variant has not been reported in the literature in individuals affected with APC-related conditions. ClinVar contains an entry for this variant (Variation ID: 537532). Invitae Evidence Modeling of protein sequence and biophysical properties (such as structural, functional, and spatial information, amino acid conservation, physicochemical variation, residue mobility, and thermodynamic stability) indicates that this missense variant is not expected to disrupt APC protein function with a negative predictive value of 95%. RNA analysis performed to evaluate the impact of this missense change on mRNA splicing indicates it does not significantly alter splicing (internal data). In summary, the available evidence is currently insufficient to determine the role of this variant in disease. Therefore, it has been classified as a Variant of Uncertain Significance.

Color Diagnostics, LLC DBA Color Health
Classification: Uncertain significance for Hereditary cancer-predisposing syndrome. Last evaluated: 2025-10-06. Review status: criteria provided, single submitter. Criteria: ACMG Guidelines, 2015. Collection method: clinical testing. Allele origin: germline.
Comment: This missense variant replaces aspartic acid with glycine at codon 1832 of the APC protein. Computational prediction suggests that this variant may not impact protein structure and function. To our knowledge, functional studies have not been reported for this variant. This variant has not been reported in individuals affected with APC-related disorders in the literature. This variant has been identified in 2/1612968 chromosomes in the general population by the Genome Aggregation Database (gnomAD). The available evidence is insufficient to determine the role of this variant in disease conclusively. Therefore, this variant is classified as a Variant of Uncertain Significance.

Ambry Genetics
Classification: Uncertain significance for Hereditary cancer-predisposing syndrome. Last evaluated: 2023-12-29. Review status: criteria provided, single submitter. Criteria: Ambry Variant Classification Scheme 2023. Collection method: clinical testing. Allele origin: germline.
Comment: The p.D1832G variant (also known as c.5495A>G), located in coding exon 15 of the APC gene, results from an A to G substitution at nucleotide position 5495. The aspartic acid at codon 1832 is replaced by glycine, an amino acid with similar properties. This amino acid position is well conserved in available vertebrate species. In addition, in silico predictors for this gene do not accurately predict pathogenicity. Since supporting evidence is limited at this time, the clinical significance of this alteration remains unclear.

All of Us Research Program, National Institutes of Health
Classification: Uncertain significance for Classic or attenuated familial adenomatous polyposis. Last evaluated: 2023-10-06. Review status: criteria provided, single submitter. Criteria: ACMG Guidelines, 2015. Collection method: clinical testing. Allele origin: germline. Inheritance: Autosomal dominant inheritance. Observed: 1 variant allele, 1 heterozygote.
Comment: This missense variant replaces aspartic acid with glycine at codon 1832 of the APC protein. Computational prediction suggests that this variant may not impact protein structure and function (internally defined REVEL score threshold <= 0.5, PMID: 27666373). To our knowledge, functional studies have not been reported for this variant. This variant has not been reported in individuals affected with APC-related disorders in the literature. This variant has been identified in 1/250840 chromosomes in the general population by the Genome Aggregation Database (gnomAD). The available evidence is insufficient to determine the role of this variant in disease conclusively. Therefore, this variant is classified as a Variant of Uncertain Significance.

This study involves interpretation of variants in research participants for the purpose of population health screening. Participant phenotype was not available at the time of variant classification. Additional details can be found in publication PMID: 35346344, PMCID: PMC8962531

NM_000038.6(APC):c.5495A>G (p.Asp1832Gly)

Gene: APC (APC regulator of Wnt signaling pathway; plus strand). Cytogenetic location: 5q22.2.
Variant type: single nucleotide variant.
Coding change: c.5495A>G on transcript NM_000038.6 (MANE Select); coding-DNA position 5495, A replaced by G.
Protein change: p.Asp1832Gly; replaces aspartic acid 1832 with glycine.
Molecular consequence: missense variant.
Genome position (GRCh38, 1-based): chr5:112,841,089, A>G. VCF-style: chr5-112841089-A-G. GRCh37 (hg19) VCF-style: chr5-112176786-A-G.
Other names: c.5495A>G, p.Asp1832Gly (NM_001127510.3, NM_001354895.2); c.5441A>G, p.Asp1814Gly (NM_001127511.3); c.5549A>G, p.Asp1850Gly (NM_001354896.2); c.5525A>G, p.Asp1842Gly (NM_001354897.2); c.5420A>G, p.Asp1807Gly (NM_001354898.2); c.5411A>G, p.Asp1804Gly (NM_001354899.2); c.5372A>G, p.Asp1791Gly (NM_001354900.2); c.5318A>G, p.Asp1773Gly (NM_001354901.2); and 5 more; short protein forms D1814G, D1832G, D1706G, D1773G, D1804G, D1842G, D1549G, D1672G.
Identifiers: ClinVar variation 537532 (VCV000537532.16), dbSNP rs537695710, ClinGen allele CA042112.